The following is an entry in ClinVar:

NM_024426.6(WT1):c.1243A>T (p.Met415Leu)

Gene: WT1 (WT1 transcription factor; minus strand). Cytogenetic location: 11p13.
Variant type: single nucleotide variant.
Coding change: c.1243A>T on transcript NM_024426.6 (MANE Select); coding-DNA position 1243, A replaced by T.
Protein change: p.Met415Leu; replaces methionine 415 with leucine.
Molecular consequence: missense variant. On other transcripts: non-coding transcript variant (2).
Genome position (GRCh38, 1-based): chr11:32,396,278, T>A on the plus strand (A>T on the coding strand, the complement: WT1 is on the minus strand). VCF-style: chr11-32396278-T-A. GRCh37 (hg19) VCF-style: chr11-32417824-T-A.
Other names: c.1192A>T, p.Met398Leu (NM_000378.6, NM_001407045.1, NM_001407048.1 and 1 more transcripts); c.592A>T, p.Met198Leu (NM_001198551.2); c.541A>T, p.Met181Leu (NM_001198552.2); c.55A>T, p.Met19Leu (NM_001367854.1); c.1237A>T, p.Met413Leu (NM_001407044.1); c.1243A>T, p.Met415Leu (NM_001407046.1, NM_024424.5); c.1120A>T, p.Met374Leu (NM_001407047.1); c.1069A>T, p.Met357Leu (NM_001407050.1); and 3 more; short protein forms M181L, M19L, M374L, M413L, M325L, M342L, M161L, M198L.
Identifiers: ClinVar variation 4634879 (VCV004634879.1).

ClinVar aggregate classification (germline): Uncertain significance (1 of 4 stars; one submission).

Conditions:
Inborn genetic diseases. Identifiers: MedGen C0950123, MeSH D030342.

gnomAD v4.1: 1 of 1,614,178 alleles (0.000062%); highest among the groups gnomAD compares: Non-Finnish European, 0.000085%; no homozygotes.

Submission:

Ambry Genetics
Classification: Uncertain significance for Inborn genetic diseases. Last evaluated: 2025-12-11. Review status: criteria provided, single submitter. Criteria: Ambry Variant Classification Scheme 2023. Collection method: clinical testing. Allele origin: germline.
Comment: The p.M410L variant (also known as c.1228A>T), located in coding exon 7 of the WT1 gene, results from an A to T substitution at nucleotide position 1228. The methionine at codon 410 is replaced by leucine, an amino acid with highly similar properties. This amino acid position is highly conserved in available vertebrate species. In addition, this alteration is predicted to be tolerated by in silico analysis. Based on the available evidence, the clinical significance of this variant remains unclear.